The following is an entry in ClinVar:

ClinVar aggregate classification (germline): Uncertain significance. Review status: criteria provided, multiple submitters, no conflicts (2 of 4 stars). 3 submissions from 3 submitters: Uncertain significance (3). Last evaluated 2026-02-24.

gnomAD v4.1: 2 of 1,613,498 alleles (0.00012%); no homozygotes.

Submissions (3):

Women's Health and Genetics/Laboratory Corporation of America, LabCorp
Classification: Uncertain significance. Last evaluated: 2026-02-24. Review status: criteria provided, single submitter. Criteria: LabCorp Variant Classification Summary - May 2015. Collection method: clinical testing. Allele origin: germline.
Comment: Variant summary: KARS1 c.383A>C (p.His128Pro) results in a non-conservative amino acid change in the encoded protein sequence. Algorithms developed to predict the effect of missense changes on protein structure and function are either unavailable or do not agree on the potential impact of this missense change. The variant was absent in 251492 control chromosomes. The available data on variant occurrences in the general population are insufficient to allow any conclusion about variant significance. To our knowledge, no occurrence of c.383A>C in individuals affected with KARS1-related conditions and no experimental evidence demonstrating its impact on protein function have been reported. ClinVar contains an entry for this variant (Variation ID: 1162790). Based on the evidence outlined above, the variant was classified as uncertain significance.

Blueprint Genetics
Classification: Uncertain significance. Last evaluated: 2024-11-14. Review status: criteria provided, single submitter. Criteria: ACMG Guidelines, 2015. Collection method: clinical testing. Allele origin: germline.

Mayo Clinic Laboratories, Mayo Clinic
Classification: Uncertain significance. Last evaluated: 2020-11-19. Review status: criteria provided, single submitter. Criteria: ACMG Guidelines, 2015. Collection method: clinical testing. Allele origin: germline. Observed: 1 variant allele.

NM_005548.3(KARS1):c.299A>C (p.His100Pro)

Gene: KARS1 (lysyl-tRNA synthetase 1; minus strand). Cytogenetic location: 16q23.1.
Variant type: single nucleotide variant.
Coding change: c.299A>C on transcript NM_005548.3 (MANE Select); coding-DNA position 299, A replaced by C.
Protein change: p.His100Pro; replaces histidine 100 with proline.
Molecular consequence: missense variant. On other transcripts: 5 prime UTR variant (1).
Genome position (GRCh38, 1-based): chr16:75,640,273, T>G on the plus strand (A>C on the coding strand, the complement: KARS1 is on the minus strand). VCF-style: chr16-75640273-T-G. GRCh37 (hg19) VCF-style: chr16-75674171-T-G.
Other names: c.383A>C, p.His128Pro (NM_001130089.2); c.-170A>C (NM_001378148.1); short protein forms H100P, H128P.
Identifiers: ClinVar variation 1162790 (VCV001162790.7), dbSNP rs1298749484, ClinGen allele CA396815800.
Genomic context (GRCh38, chr16:75,640,273, plus strand): 5'-TGATCCCCAGGCTGCAGGTGACTATATTTTTGGATGAAGTCAGTGAGTGAGATGTCTACA[T>G]GGAACTTGTGTGGGTATGGGTCTTCCCCATTGACCTTCAGCTGATGAATTGCTTGACTGC-3'
Protein context (NP_005539.1, residues 90-110): NGEDPYPHKF[His100Pro]VDISLTDFIQ